The following is an entry in ClinVar:

NM_001258392.3(CLPB):c.428G>A (p.Arg143His)

Gene: CLPB (ClpB family mitochondrial disaggregase; minus strand). Cytogenetic location: 11q13.4.
Variant type: single nucleotide variant.
Coding change: c.428G>A on transcript NM_001258392.3 (MANE Select); coding-DNA position 428, G replaced by A.
Protein change: p.Arg143His; replaces arginine 143 with histidine.
Molecular consequence: missense variant. On other transcripts: synonymous variant (1).
Genome position (GRCh38, 1-based): chr11:72,430,339, C>T on the plus strand (G>A on the coding strand, the complement: CLPB is on the minus strand). VCF-style: chr11-72430339-C-T. GRCh37 (hg19) VCF-style: chr11-72141383-C-T.
Other names: c.428G>A, p.Arg143His (NM_001258393.3, NM_030813.6); c.186G>A, p.Pro62= (NM_001258394.3); short protein forms R143H.
Identifiers: ClinVar variation 1939221 (VCV001939221.7), dbSNP rs1460448899, ClinGen allele CA381962665.
Genomic context (GRCh38, chr11:72,430,339, plus strand): 5'-GTAGGGGAGAGCAAGGCCTGGGGTTCAACTCACCTGCTGACTTCTTGCATATTGTTGGCA[C>T]GGGCAGCTTCCAACAGGGCTGCATCTGAAGAGAAAGGGGGCACTGGTCAGATCCGCGGCC-3'
Protein context (NP_001245321.1, residues 133-153): NKDAALLEAA[Arg143His]ANNMQEVSRL

ClinVar aggregate classification (germline): Uncertain significance. Review status: criteria provided, multiple submitters, no conflicts (2 of 4 stars). 3 submissions from 3 submitters: Uncertain significance (3). Last evaluated 2024-03-20.

Conditions:
3-methylglutaconic aciduria, type VIIB (MGCA7B). Also called: 3-methylglutaconic aciduria with cataracts, neurologic involvement and neutropenia; 3-methylglutaconic aciduria, type VII, with cataracts, neurologic involvement and neutropenia; CLPB Deficiency. Identifiers: Orphanet 445038, MedGen C5676893, MONDO:0014561, OMIM 616271.
Inborn genetic diseases. Identifiers: MedGen C0950123, MeSH D030342.
3-methylglutaconic aciduria, type VIIA. Also called: 3-METHYLGLUTACONIC ACIDURIA WITH NEUROLOGIC INVOLVEMENT AND NEUTROPENIA, AUTOSOMAL DOMINANT. Identifiers: MedGen C5676967, MONDO:0859237, OMIM 619835.
Neutropenia, severe congenital, 9, autosomal dominant. Identifiers: MedGen C5676954, MONDO:0030726, OMIM 619813.

Allele frequency attached by ClinVar (database versions not stated): gnomAD exomes below 0.00001.
gnomAD v4.1: 1 of 1,613,296 alleles (0.000062%); highest among the groups gnomAD compares: Admixed American, 0.0017%; no homozygotes.

Submissions (3):

Fulgent Genetics
Classification: Uncertain significance for 3-methylglutaconic aciduria, type VIIB; Neutropenia, severe congenital, 9, autosomal dominant; 3-methylglutaconic aciduria, type VIIA. Last evaluated: 2024-03-20. Review status: criteria provided, single submitter. Criteria: ACMG Guidelines, 2015. Collection method: clinical testing. Allele origin: germline.

Labcorp Genetics (formerly Invitae), Labcorp
Classification: Uncertain significance for 3-methylglutaconic aciduria, type VIIB. Last evaluated: 2022-07-11. Review status: criteria provided, single submitter. Criteria: Invitae Variant Classification Sherloc (09022015). Collection method: clinical testing. Allele origin: germline.
Comment: In summary, the available evidence is currently insufficient to determine the role of this variant in disease. Therefore, it has been classified as a Variant of Uncertain Significance. Algorithms developed to predict the effect of missense changes on protein structure and function (SIFT, PolyPhen-2, Align-GVGD) all suggest that this variant is likely to be tolerated. This variant has not been reported in the literature in individuals affected with CLPB-related conditions. This variant is not present in population databases (gnomAD no frequency). This sequence change replaces arginine, which is basic and polar, with histidine, which is basic and polar, at codon 143 of the CLPB protein (p.Arg143His).

Ambry Genetics
Classification: Uncertain significance for Inborn genetic diseases. Last evaluated: 2021-10-26. Review status: criteria provided, single submitter. Criteria: Ambry Variant Classification Scheme 2023. Collection method: clinical testing. Allele origin: germline.